The following is an entry in ClinVar:

NM_001365999.1(SZT2):c.7862C>T (p.Pro2621Leu)

Gene: SZT2 (SZT2 subunit of KICSTOR complex; plus strand). Cytogenetic location: 1p34.2.
Variant type: single nucleotide variant.
Coding change: c.7862C>T on transcript NM_001365999.1 (MANE Select); coding-DNA position 7862, C replaced by T.
Protein change: p.Pro2621Leu; replaces proline 2621 with leucine.
Molecular consequence: missense variant.
Genome position (GRCh38, 1-based): chr1:43,442,119, C>T. VCF-style: chr1-43442119-C-T. GRCh37 (hg19) VCF-style: chr1-43907790-C-T.
Other names: c.7691C>T, p.Pro2564Leu (NM_015284.4); short protein forms P2564L, P2621L.
Identifiers: ClinVar variation 4082661 (VCV004082661.1).
Genomic context (GRCh38, chr1:43,442,119, plus strand): 5'-GCCCTGCAGCTGAGCGGCATCTGCTGCTTCTGGGAAGGAACTTCTTGCAGTGGAGGAGAC[C>T]AACACAGCAGGGTGAGGGCATGGCCCGGGGGGGCGGGGGGCGGGTAGGCTAAGAGTAACT-3'
Protein context (NP_001352928.1, residues 2611-2631): LGRNFLQWRR[Pro2621Leu]TQQAAKAMQR

ClinVar aggregate classification (germline): Uncertain significance (1 of 4 stars; one submission).

Submission:

GeneDx
Classification: Uncertain significance. Last evaluated: 2025-03-03. Review status: criteria provided, single submitter. Criteria: GeneDx Variant Classification Process June 2021. Collection method: clinical testing. Allele origin: germline. Affected: yes.
Comment: Not observed at significant frequency in large population cohorts (gnomAD); In silico analysis indicates that this missense variant does not alter protein structure/function; Has not been previously published as pathogenic or benign to our knowledge